The following is an entry in ClinVar:

NM_001018005.1(TPM1):c.-331C>G

Gene: TPM1 (tropomyosin 1; plus strand). Cytogenetic location: 15q22.2.
Variant type: single nucleotide variant.
Coding change: c.-331C>G on transcript NM_001018005.1; 331 bases upstream of the start codon, C replaced by G.
Genome position (GRCh38, 1-based): chr15:63,042,499, C>G. VCF-style: chr15-63042499-C-G. GRCh37 (hg19) VCF-style: chr15-63334698-C-G.
Identifiers: ClinVar variation 668730 (VCV000668730.3), dbSNP rs8042834, ClinGen allele CA14103802.
Genomic context (GRCh38, chr15:63,042,499, plus strand): 5'-CCCCGGCTCGGCCCCAACGCCCTCTCCCTGGCGCGCAGGTTTAGAAACAGGGCGGCCTCT[C>G]CGGCCGCCGCCTCGGCGGCTCGGGTCCCCATATATAGTCATATCCACCGTCAACTGGGAG-3'

ClinVar aggregate classification (germline): Benign (1 of 4 stars; one submission).

Allele frequency attached by ClinVar (database versions not stated): TOPMed 0.11946; gnomAD 0.12743; 1000 Genomes Project 0.21006; 1000 Genomes Project 30x 0.20456.

Submission:

GeneDx
Classification: Benign. Last evaluated: 2018-06-19. Review status: criteria provided, single submitter. Criteria: GeneDx Variant Classification (06012015). Collection method: clinical testing. Allele origin: germline. Affected: yes.
Comment: This variant is considered likely benign or benign based on one or more of the following criteria: it is a conservative change, it occurs at a poorly conserved position in the protein, it is predicted to be benign by multiple in silico algorithms, and/or has population frequency not consistent with disease.